The following is an entry in ClinVar:

ClinVar aggregate classification (germline): Uncertain significance. Review status: criteria provided, single submitter (1 of 4 stars). 2 submissions from 2 submitters: Uncertain significance (1). 1 of the submissions does not count toward it. Last evaluated 2026-07-19.

Conditions:
Inborn genetic diseases. Identifiers: MedGen C0950123, MeSH D030342.

Allele frequency attached by ClinVar (database versions not stated): gnomAD exomes below 0.00001; TOPMed 0.00002; gnomAD 0.00003 and 0.00004; ExAC 0.00002.
gnomAD v4.1: 13 of 1,613,914 alleles (0.00081%); highest among the groups gnomAD compares: African/African-American, 0.0053%; no homozygotes.

Submissions (2):

Ambry Genetics
Classification: Uncertain significance for Inborn genetic diseases. Last evaluated: 2026-07-19. Review status: criteria provided, single submitter. Criteria: Ambry Variant Classification Scheme 2023. Collection method: clinical testing. Allele origin: germline.

Department of Pathology and Laboratory Medicine, Sinai Health System
Classification: Uncertain significance. Review status: no assertion criteria provided. Collection method: clinical testing. Allele origin: unknown. Affected: yes. Study: The Canadian Open Genetics Repository (COGR). Not counted in ClinVar's aggregate classification.
Comment: The FAT1 p.Val2049Met variant was not identified in the literature nor was it identified in ClinVar or Cosmic. The variant was identified in dbSNP (ID: rs771744168) and in control databases in 3 of 266132 chromosomes at a frequency of 0.00001127 (Genome Aggregation Database March 6, 2019, v2.1.1, non-cancer). The variant was observed in the following populations: African in 2 of 22846 chromosomes (freq: 0.000088) and European (non-Finnish) in 1 of 117426 chromosomes (freq: 0.000009), but was not observed in the Latino, Ashkenazi Jewish, East Asian, European (Finnish), Other, or South Asian populations. The p.Val2049 residue is conserved in mammals and computational analyses (PolyPhen-2, SIFT, AlignGVGD, BLOSUM, MutationTaster) provide inconsistent predictions regarding the impact to the protein; this information is not very predictive of pathogenicity. The variant occurs outside of the splicing consensus sequence and in silico or computational prediction software programs (SpliceSiteFinder, MaxEntScan, NNSPLICE, GeneSplicer) do not predict a difference in splicing. In summary, based on the above information the clinical significance of this variant cannot be determined with certainty at this time. This variant is classified as a variant of uncertain significance.

NM_005245.4(FAT1):c.6145G>A (p.Val2049Met)

Gene: FAT1 (FAT atypical cadherin 1; minus strand). Cytogenetic location: 4q35.2.
Variant type: single nucleotide variant.
Coding change: c.6145G>A on transcript NM_005245.4 (MANE Select); coding-DNA position 6145, G replaced by A.
Protein change: p.Val2049Met; replaces valine 2049 with methionine.
Molecular consequence: missense variant.
Genome position (GRCh38, 1-based): chr4:186,620,441, C>T on the plus strand (G>A on the coding strand, the complement: FAT1 is on the minus strand). VCF-style: chr4-186620441-C-T. GRCh37 (hg19) VCF-style: chr4-187541595-C-T.
Other names: c.6145G>A (NM_005245.3); short protein forms V2049M.
Identifiers: ClinVar variation 1049232 (VCV001049232.3), dbSNP rs771744168, ClinGen allele CA3166302.